The following is an entry in ClinVar:

NM_032634.4(PIGO):c.1840C>T (p.Pro614Ser)

Gene: PIGO (phosphatidylinositol glycan anchor biosynthesis class O; minus strand). Cytogenetic location: 9p13.3.
Variant type: single nucleotide variant.
Coding change: c.1840C>T on transcript NM_032634.4 (MANE Select); coding-DNA position 1840, C replaced by T.
Protein change: p.Pro614Ser; replaces proline 614 with serine.
Molecular consequence: missense variant. On other transcripts: intron variant (2).
Genome position (GRCh38, 1-based): chr9:35,092,047, G>A on the plus strand (C>T on the coding strand, the complement: PIGO is on the minus strand). VCF-style: chr9-35092047-G-A. GRCh37 (hg19) VCF-style: chr9-35092044-G-A.
Other names: c.1344+496C>T (NM_152850.4, NM_001201484.2); short protein forms P614S.
Identifiers: ClinVar variation 1375230 (VCV001375230.6), dbSNP rs2131075851, ClinGen allele CA373321309.
Genomic context (GRCh38, chr9:35,092,047, plus strand): 5'-GCCTTGTACATAAAAGCAACCCAATTCCAAGCCTCAGGGCATATGCACCATTGTGCCGTG[G>A]GGGGTTTGTTGTGGCTGAAGTGCCAAGGCGGGGCATTGTGAGTAGCTTAGGTGGAAGCAG-3'
Protein context (NP_116023.2, residues 604-624): RLGTSATTNP[Pro614Ser]RHNGAYALRL

ClinVar aggregate classification (germline): Uncertain significance (1 of 4 stars; one submission).

Conditions:
Hyperphosphatasia with impaired intellectual development syndrome 2. Also called: Hyperphosphatasia with intellectual disability syndrome 2; GLYCOSYLPHOSPHATIDYLINOSITOL BIOSYNTHESIS DEFECT 6. Identifiers: Orphanet 247262, MedGen C3553637, MONDO:0013882, OMIM 614749.

Submission:

Labcorp Genetics (formerly Invitae), Labcorp
Classification: Uncertain significance for Hyperphosphatasia with impaired intellectual development syndrome 2. Last evaluated: 2021-08-15. Review status: criteria provided, single submitter. Criteria: Invitae Variant Classification Sherloc (09022015). Collection method: clinical testing. Allele origin: germline.
Comment: In summary, the available evidence is currently insufficient to determine the role of this variant in disease. Therefore, it has been classified as a Variant of Uncertain Significance. Algorithms developed to predict the effect of missense changes on protein structure and function output the following: SIFT: "Tolerated"; PolyPhen-2: "Benign"; Align-GVGD: "Class C0". The serine amino acid residue is found in multiple mammalian species, which suggests that this missense change does not adversely affect protein function. This variant has not been reported in the literature in individuals affected with PIGO-related conditions. This variant is not present in population databases (ExAC no frequency). This sequence change replaces proline with serine at codon 614 of the PIGO protein (p.Pro614Ser). The proline residue is moderately conserved and there is a moderate physicochemical difference between proline and serine.